The following is an entry in ClinVar:

ClinVar aggregate classification (germline): Conflicting classifications of pathogenicity. Review status: criteria provided, conflicting classifications (1 of 4 stars). 2 submissions from 2 submitters: Uncertain significance (1); Likely benign (1). Last evaluated 2025-10-25.

Conditions:
PKD1-related disorder. Also called: PKD1-related condition.

gnomAD v4.1: 238 of 1,610,370 alleles (0.015%); highest among the groups gnomAD compares: African/African-American, 0.16%; no homozygotes.

Submissions (2):

PreventionGenetics, part of Exact Sciences
Classification: Likely benign for PKD1-related condition. Last evaluated: 2025-10-25. Review status: criteria provided, single submitter. Criteria: ACMG Guidelines, 2015. Collection method: clinical testing. Allele origin: germline.
Comment: This variant is classified as likely benign based on ACMG/AMP sequence variant interpretation guidelines (Richards et al. 2015 PMID: 25741868, with internal and published modifications).

Mayo Clinic Laboratories, Mayo Clinic
Classification: Uncertain significance. Last evaluated: 2024-09-30. Review status: criteria provided, single submitter. Criteria: ACMG Guidelines, 2015. Collection method: clinical testing. Allele origin: germline. Observed: 4 variant alleles.
Comment: BS1

Literature cited by the submitters: PubMed 17582161 (cited by Mayo Clinic Laboratories, Mayo Clinic).

NM_001009944.3(PKD1):c.6799G>A (p.Val2267Met)

Gene: PKD1 (polycystin 1, transient receptor potential channel interacting; minus strand). Cytogenetic location: 16p13.3.
Variant type: single nucleotide variant.
Coding change: c.6799G>A on transcript NM_001009944.3 (MANE Select); coding-DNA position 6799, G replaced by A.
Protein change: p.Val2267Met; replaces valine 2267 with methionine.
Molecular consequence: missense variant.
Genome position (GRCh38, 1-based): chr16:2,108,368, C>T on the plus strand (G>A on the coding strand, the complement: PKD1 is on the minus strand). VCF-style: chr16-2108368-C-T. GRCh37 (hg19) VCF-style: chr16-2158369-C-T.
Other names: p.Val2267Met; c.6799G>A, p.Val2267Met (NM_000296.4); short protein forms V2267M.
Identifiers: ClinVar variation 3380351 (VCV003380351.3).